The following is an entry in ClinVar:

ClinVar aggregate classification (germline): Uncertain significance (1 of 4 stars; one submission).

Submissions (2):

Blueprint Genetics
Classification: Uncertain significance. Last evaluated: 2023-02-13. Review status: criteria provided, single submitter. Criteria: ACMG Guidelines, 2015. Collection method: clinical testing. Allele origin: germline.

Brotman Baty Institute, University of Washington
No classification provided (evidence only). Condition: Breast-ovarian cancer, familial 1. Review status: no classification provided. Collection method: in vitro. Allele origin: not applicable. Functional consequence: functionally_normal. Not counted in ClinVar's aggregate classification.
ClinVar note: "not provided" was previously submitted as the classification for the variant. However, the classification appeared to be based only on an observation of functional data so it was converted to no classification on 2025-07-30.

NM_007294.4(BRCA1):c.5438A>G (p.Asp1813Gly)

Gene: BRCA1 (BRCA1 DNA repair associated; minus strand). Cytogenetic location: 17q21.31.
Variant type: single nucleotide variant.
Coding change: c.5438A>G on transcript NM_007294.4 (MANE Select); coding-DNA position 5438, A replaced by G.
Protein change: p.Asp1813Gly; replaces aspartic acid 1813 with glycine.
Molecular consequence: missense variant. On other transcripts: synonymous variant (17).
Genome position (GRCh38, 1-based): chr17:43,047,672, T>C on the plus strand (A>G on the coding strand, the complement: BRCA1 is on the minus strand). VCF-style: chr17-43047672-T-C. GRCh37 (hg19) VCF-style: chr17-41199689-T-C.
Other names: c.2000A>G, p.Asp667Gly (NM_001408447.1, NM_001408448.1, NM_001408450.1 and 2 more transcripts); c.1994A>G, p.Asp665Gly (NM_001408451.1); c.1988A>G, p.Asp663Gly (NM_001408452.1, NM_001408453.1, NM_001408454.1 and 3 more transcripts); c.1985A>G, p.Asp662Gly (NM_001408465.1, NM_001408466.1, NM_001408467.1 and 7 more transcripts); c.1982A>G, p.Asp661Gly (NM_001408468.1, NM_001408469.1, NM_001408470.1); c.2052A>G, p.Arg684= (NM_001408472.1, NM_007299.4); c.2049A>G, p.Arg683= (NM_001408473.1); c.1928A>G, p.Asp643Gly (NM_001408474.1); and 83 more; short protein forms D1834G, D709G, D1766G, D1813G, D1516G, D1686G, D1723G, D1729G.
Identifiers: ClinVar variation 867391 (VCV000867391.4), dbSNP rs1555574715, ClinGen allele CA10590546.
Genomic context (GRCh38, chr17:43,047,672, plus strand): 5'-CATATAGCACAGGTACATGCAGGCACCTTACCATGGAAGCCATTGTCCTCTGTCCAGGCA[T>C]CTGGCTGCACAACCACAATTGGGTGGACACCCTGGATCCCCAGGAAGGAAAGAGCATTCA-3'
Protein context (NP_009225.1, residues 1803-1823): GVHPIVVVQP[Asp1813Gly]AWTEDNGFHA